The following is an entry in ClinVar:

ClinVar aggregate classification (germline): Uncertain significance. Review status: criteria provided, multiple submitters, no conflicts (2 of 4 stars). 2 submissions from 2 submitters: Uncertain significance (2). Last evaluated 2024-07-19.

Conditions:
Hereditary cancer-predisposing syndrome. Also called: Neoplastic Syndromes, Hereditary; Tumor predisposition; Hereditary Cancer Syndrome; Hereditary neoplastic syndrome. Identifiers: Orphanet 140162, MedGen C0027672, MeSH D009386, MONDO:0015356.
DICER1-related tumor predisposition. Also called: DICER1 syndrome; DICER1-related pleuropulmonary blastoma cancer predisposition syndrome. Identifiers: Orphanet 284343, MedGen C3839822, MONDO:0100216.

gnomAD v4.1: 5 of 1,614,246 alleles (0.00031%); highest among the groups gnomAD compares: Non-Finnish European, 0.00034%; no homozygotes.

Submissions (2):

Ambry Genetics
Classification: Uncertain significance for Hereditary cancer-predisposing syndrome. Last evaluated: 2024-07-19. Review status: criteria provided, single submitter. Criteria: Ambry Variant Classification Scheme 2023. Collection method: clinical testing. Allele origin: germline.
Comment: The p.C1574Y variant (also known as c.4721G>A), located in coding exon 22 of the DICER1 gene, results from a G to A substitution at nucleotide position 4721. The cysteine at codon 1574 is replaced by tyrosine, an amino acid with highly dissimilar properties. This amino acid position is highly conserved in available vertebrate species. In addition, this alteration is predicted to be deleterious by in silico analysis. Based on the available evidence, the clinical significance of this variant remains unclear.

Labcorp Genetics (formerly Invitae), Labcorp
Classification: Uncertain significance for DICER1-related tumor predisposition. Last evaluated: 2022-11-04. Review status: criteria provided, single submitter. Criteria: Invitae Variant Classification Sherloc (09022015). Collection method: clinical testing. Allele origin: germline.
Comment: In summary, the available evidence is currently insufficient to determine the role of this variant in disease. Therefore, it has been classified as a Variant of Uncertain Significance. Advanced modeling of protein sequence and biophysical properties (such as structural, functional, and spatial information, amino acid conservation, physicochemical variation, residue mobility, and thermodynamic stability) performed at Invitae indicates that this missense variant is expected to disrupt DICER1 protein function. This variant has not been reported in the literature in individuals affected with DICER1-related conditions. This variant is not present in population databases (gnomAD no frequency). This sequence change replaces cysteine, which is neutral and slightly polar, with tyrosine, which is neutral and polar, at codon 1574 of the DICER1 protein (p.Cys1574Tyr).

NM_177438.3(DICER1):c.4721G>A (p.Cys1574Tyr)

Gene: DICER1 (dicer 1, ribonuclease III; minus strand). Cytogenetic location: 14q32.13.
Variant type: single nucleotide variant.
Coding change: c.4721G>A on transcript NM_177438.3 (MANE Select); coding-DNA position 4721, G replaced by A.
Protein change: p.Cys1574Tyr; replaces cysteine 1574 with tyrosine.
Molecular consequence: missense variant. On other transcripts: non-coding transcript variant (6).
Genome position (GRCh38, 1-based): chr14:95,096,199, C>T on the plus strand (G>A on the coding strand, the complement: DICER1 is on the minus strand). VCF-style: chr14-95096199-C-T. GRCh37 (hg19) VCF-style: chr14-95562536-C-T.
Other names: c.4721G>A, p.Cys1574Tyr (NM_001195573.1, NM_001271282.3, NM_001291628.2 and 13 more transcripts); c.4439G>A, p.Cys1480Tyr (NM_001395686.1); c.4316G>A, p.Cys1439Tyr (NM_001395687.1, NM_001395688.1, NM_001395689.1 and 2 more transcripts); c.4154G>A, p.Cys1385Tyr (NM_001395691.1); c.3038G>A, p.Cys1013Tyr (NM_001395697.1); short protein forms C1439Y, C1013Y, C1480Y, C1385Y, C1574Y.
Identifiers: ClinVar variation 1742668 (VCV001742668.6), dbSNP rs1236067722, ClinGen allele CA390867446.